The following is an entry in ClinVar:

ClinVar aggregate classification (germline): Benign (1 of 4 stars; one submission).

Conditions:
Sorsby fundus dystrophy (SFD). Also called: MACULAR DYSTROPHY, HEMORRHAGIC; FUNDUS DYSTROPHY, PSEUDOINFLAMMATORY, OF SORSBY; Sorsby fundus dystrophy, Lavia type. Identifiers: Orphanet 59181, MedGen C1850938, MONDO:0007640, OMIM 136900.

Allele frequency attached by ClinVar (database versions not stated): gnomAD 0.38240 and 0.39279; TOPMed 0.40113; 1000 Genomes Project 0.34185; 1000 Genomes Project 30x 0.34853.
gnomAD v4.1: 58,002 of 152,090 alleles (38%); highest among the groups gnomAD compares: African/African-American, 59%; 12,542 homozygotes.

Submission:

Illumina Laboratory Services, Illumina
Classification: Benign for Sorsby fundus dystrophy. Last evaluated: 2018-01-12. Review status: criteria provided, single submitter. Criteria: ICSL Variant Classification Criteria 13 December 2019. Collection method: clinical testing. Allele origin: germline.
Comment: This variant was observed in the ICSL laboratory as part of a predisposition screen in an ostensibly healthy population. It had not been previously curated by ICSL or reported in the Human Gene Mutation Database (HGMD: prior to June 1st, 2018), and was therefore a candidate for classification through an automated scoring system. Utilizing variant allele frequency, disease prevalence and penetrance estimates, and inheritance mode, an automated score was calculated to assess if this variant is too frequent to cause the disease. Based on the score and internal cut-off values, a variant classified as benign is not then subjected to further curation. The score for this variant resulted in a classification of benign for this disease.

NM_000362.4(TIMP3):c.-914A>G

Genes: SYN3 (synapsin III; minus strand), TIMP3 (TIMP metallopeptidase inhibitor 3; plus strand). Cytogenetic location: 22q12.3.
Variant type: single nucleotide variant.
Coding change: c.-914A>G on transcript NM_000362.4; 914 bases upstream of the start codon, A replaced by G.
Molecular consequence: intron variant (on NM_003490.4).
Genome position (GRCh38, 1-based): chr22:32,801,088, A>G. VCF-style: chr22-32801088-A-G. GRCh37 (hg19) VCF-style: chr22-33197074-A-G.
Other names: c.708+63827T>C (NM_001369909.1, NM_001135774.2, NM_001369910.1); c.711+63827T>C (NM_001369907.1, NM_003490.4, NM_001369908.1 and 1 more transcripts).
Identifiers: ClinVar variation 341328 (VCV000341328.7), dbSNP rs2234921, ClinGen allele CA10654057.